The following is an entry in ClinVar:

NM_201384.3(PLEC):c.10346A>T (p.Gln3449Leu)

Gene: PLEC (plectin; minus strand). Cytogenetic location: 8q24.3.
Variant type: single nucleotide variant.
Coding change: c.10346A>T on transcript NM_201384.3 (MANE Select); coding-DNA position 10346, A replaced by T.
Protein change: p.Gln3449Leu; replaces glutamine 3449 with leucine.
Molecular consequence: missense variant.
Genome position (GRCh38, 1-based): chr8:143,919,475, T>A on the plus strand (A>T on the coding strand, the complement: PLEC is on the minus strand). VCF-style: chr8-143919475-T-A. GRCh37 (hg19) VCF-style: chr8-144993643-T-A.
Other names: c.10427A>T, p.Gln3476Leu (NM_000445.5); c.10304A>T, p.Gln3435Leu (NM_201378.4); c.10280A>T, p.Gln3427Leu (NM_201379.3); c.10757A>T, p.Gln3586Leu (NM_201380.4); c.10250A>T, p.Gln3417Leu (NM_201381.3); c.10346A>T, p.Gln3449Leu (NM_201382.4); c.10358A>T, p.Gln3453Leu (NM_201383.3); short protein forms Q3427L, Q3476L, Q3435L, Q3417L, Q3449L, Q3453L, Q3586L.
Identifiers: ClinVar variation 1438896 (VCV001438896.8), dbSNP rs868921800, ClinGen allele CA372500080.
Genomic context (GRCh38, chr8:143,919,475, plus strand): 5'-ATCTGGGCCTCCAGCAGGCGGATGCCGTGCTGCCGGAGAACCAGGCCCTTCTGCATGGCC[T>A]GGAAGAGGGAGATGGTGCTGCCCGAGTAGGGGTCTCTGTAGCCGGTGACGGCCTTCTCGG-3'
Protein context (NP_958786.1, residues 3439-3459): PYSGSTISLF[Gln3449Leu]AMQKGLVLRQ

ClinVar aggregate classification (germline): Uncertain significance (1 of 4 stars; one submission).

Conditions:
Epidermolysis bullosa simplex 5B, with muscular dystrophy (EBS5B). Also called: EPIDERMOLYSIS BULLOSA SIMPLEX AND LIMB-GIRDLE MUSCULAR DYSTROPHY; Epidermolysis bullosa simplex with muscular dystrophy. Identifiers: Orphanet 257, MedGen C2931072, MONDO:0009181, OMIM 226670.
Epidermolysis bullosa simplex 5C, with pyloric atresia (EBS5C). Also called: Epidermolysis bullosa simplex with pyloric atresia; PLEC-Related Epidermolysis Bullosa with Pyloric Atresia; PLEC1-Related Epidermolysis Bullosa with Pyloric Atresia. Identifiers: Orphanet 158684, MedGen C2677349, MONDO:0012807, OMIM 612138.
Autosomal recessive limb-girdle muscular dystrophy type 2Q (LGMDR17). Also called: MUSCULAR DYSTROPHY, LIMB-GIRDLE, AUTOSOMAL RECESSIVE 17. Identifiers: Orphanet 254361, MedGen C3150989, MONDO:0013390, OMIM 613723.
Epidermolysis bullosa simplex with nail dystrophy (EBS5D). Identifiers: MedGen C4225309, MONDO:0014661, OMIM 616487.
Epidermolysis bullosa simplex, Ogna type (EBS5A). Also called: Pidermolysis bullosa simplex 5A, Ogna type; EPIDERMOLYSIS BULLOSA SIMPLEX 5A, OGNA TYPE. Identifiers: Orphanet 79401, MedGen C0432317, MONDO:0007555, OMIM 131950.

Submission:

Labcorp Genetics (formerly Invitae), Labcorp
Classification: Uncertain significance for Autosomal recessive limb-girdle muscular dystrophy type 2Q; Epidermolysis bullosa simplex, Ogna type; Epidermolysis bullosa simplex with nail dystrophy; Epidermolysis bullosa simplex 5C, with pyloric atresia; Epidermolysis bullosa simplex 5B, with muscular dystrophy. Last evaluated: 2021-04-20. Review status: criteria provided, single submitter. Criteria: Invitae Variant Classification Sherloc (09022015). Collection method: clinical testing. Allele origin: germline.
Comment: Algorithms developed to predict the effect of missense changes on protein structure and function (SIFT, PolyPhen-2, Align-GVGD) all suggest that this variant is likely to be disruptive, but these predictions have not been confirmed by published functional studies and their clinical significance is uncertain. In summary, the available evidence is currently insufficient to determine the role of this variant in disease. Therefore, it has been classified as a Variant of Uncertain Significance. This variant has not been reported in the literature in individuals with PLEC-related conditions. This variant is not present in population databases (ExAC no frequency). This sequence change replaces glutamine with leucine at codon 3476 of the PLEC protein (p.Gln3476Leu). The glutamine residue is highly conserved and there is a moderate physicochemical difference between glutamine and leucine.